The following is an entry in ClinVar:

NM_002471.4(MYH6):c.1505A>G (p.Tyr502Cys)

Gene: MYH6 (myosin heavy chain 6; minus strand). Cytogenetic location: 14q11.2.
Variant type: single nucleotide variant.
Coding change: c.1505A>G on transcript NM_002471.4 (MANE Select); coding-DNA position 1505, A replaced by G.
Protein change: p.Tyr502Cys; replaces tyrosine 502 with cysteine.
Molecular consequence: missense variant.
Genome position (GRCh38, 1-based): chr14:23,400,332, T>C on the plus strand (A>G on the coding strand, the complement: MYH6 is on the minus strand). VCF-style: chr14-23400332-T-C. GRCh37 (hg19) VCF-style: chr14-23869541-T-C.
Other names: short protein forms Y502C.
Identifiers: ClinVar variation 3222323 (VCV003222323.1), dbSNP rs1891560688, ClinGen allele CA389022612.

ClinVar aggregate classification (germline): Uncertain significance (1 of 4 stars; one submission).

Conditions:
Cardiovascular phenotype. Identifiers: MedGen CN230736.

Allele frequency attached by ClinVar (database versions not stated): TOPMed below 0.00001.

Submission:

Ambry Genetics
Classification: Uncertain significance for Cardiovascular phenotype. Last evaluated: 2023-11-10. Review status: criteria provided, single submitter. Criteria: Ambry Variant Classification Scheme 2023. Collection method: clinical testing. Allele origin: germline.
Comment: The p.Y502C variant (also known as c.1505A>G), located in coding exon 12 of the MYH6 gene, results from an A to G substitution at nucleotide position 1505. The tyrosine at codon 502 is replaced by cysteine, an amino acid with highly dissimilar properties. This amino acid position is conserved. In addition, this alteration is predicted to be deleterious by in silico analysis. Since supporting evidence is limited at this time, the clinical significance of this alteration remains unclear.